The following is an entry in ClinVar:

NM_025000.4(DCAF17):c.270dup (p.Cys91fs)

Gene: DCAF17 (DDB1 and CUL4 associated factor 17; plus strand). Cytogenetic location: 2q31.1.
Variant type: Duplication.
Coding change: c.270dup on transcript NM_025000.4 (MANE Select); coding-DNA position 270, one base duplicated (A; older notation c.270dupA).
Protein change: p.Cys91fs; shifts the reading frame from cysteine 91.
Molecular consequence: frameshift variant. On other transcripts: non-coding transcript variant (1).
Genome position (GRCh38, 1-based): chr2:171,443,562, A duplicated; the last of 4 consecutive A bases (chr2:171,443,559-171,443,562); duplicating any one gives the same sequence. VCF-style (leftmost placement, unchanged base first): chr2-171443558-C-CA. GRCh37 (hg19) VCF-style: chr2-172300068-C-CA.
Other names: c.270dup, p.Cys91fs (NM_001164821.2); short protein forms C91fs.
Identifiers: ClinVar variation 632550 (VCV000632550.2), dbSNP rs879253799, ClinGen allele CA915942130.

ClinVar aggregate classification (germline): Likely pathogenic (0 of 4 stars; one submission).

Conditions:
Woodhouse-Sakati syndrome. Also called: Hypogonadism, Alopecia, Diabetes Mellitus, Mental Retardation, and Extrapyramidal Syndrome; EXTRAPYRAMIDAL DISORDER, PROGRESSIVE, WITH PRIMARY HYPOGONADISM, MENTAL RETARDATION, AND ALOPECIA; Hypogonadism, diabetes mellitus, alopecia, mental retardation and electrocardiographic abnormalities. Identifiers: Orphanet 3464, MedGen C0342286, MONDO:0009419, OMIM 241080.

Submission:

Hacettepe Genetic Diseases Diagnosis Center, Hacettepe University Faculty of Medicine
Classification: Likely pathogenic for Woodhouse-Sakati syndrome. Last evaluated: 2017-12-06. Review status: no assertion criteria provided. Collection method: clinical testing. Allele origin: germline. Inheritance: Autosomal recessive inheritance. Affected: yes. Observed: 1 homozygote.
Comment: These clinical findings and molecular results consistent with Woodhouse-Sakati Syndrome. This variant was not reported in ExAC and gnomAD databases and was evaluated as pathogenic by in silico analysis such as MutationTaster.